The following is an entry in ClinVar:

ClinVar aggregate classification (germline): Uncertain significance (1 of 4 stars; one submission).

Conditions:
Immunodeficiency, common variable, 4. Also called: ANTIBODY DEFICIENCY DUE TO BAFFR DEFECT. Identifiers: Orphanet 1572, Orphanet 696925, MedGen C3150739, MONDO:0013284, OMIM 613494.

Allele frequency attached by ClinVar (database versions not stated): gnomAD 0.00001; gnomAD exomes 0.00001; TOPMed 0.00001; ExAC 0.00011.
gnomAD v4.1: 5 of 1,463,730 alleles (0.00034%); highest among the groups gnomAD compares: African/African-American, 0.0015%; no homozygotes.

Submission:

Labcorp Genetics (formerly Invitae), Labcorp
Classification: Uncertain significance for Immunodeficiency, common variable, 4. Last evaluated: 2024-05-27. Review status: criteria provided, single submitter. Criteria: Invitae Variant Classification Sherloc (09022015). Collection method: clinical testing. Allele origin: germline.
Comment: This sequence change replaces alanine, which is neutral and non-polar, with aspartic acid, which is acidic and polar, at codon 34 of the TNFRSF13C protein (p.Ala34Asp). The frequency data for this variant in the population databases is considered unreliable, as metrics indicate poor data quality at this position in the gnomAD database. This variant has not been reported in the literature in individuals affected with TNFRSF13C-related conditions. ClinVar contains an entry for this variant (Variation ID: 1501054). Algorithms developed to predict the effect of missense changes on protein structure and function output the following: SIFT: "Not Available"; PolyPhen-2: "Benign"; Align-GVGD: "Not Available". The aspartic acid amino acid residue is found in multiple mammalian species, which suggests that this missense change does not adversely affect protein function. In summary, the available evidence is currently insufficient to determine the role of this variant in disease. Therefore, it has been classified as a Variant of Uncertain Significance.

NM_052945.4(TNFRSF13C):c.101C>A (p.Ala34Asp)

Genes: TNFRSF13C (TNF receptor superfamily member 13C; minus strand), LOC130067574 (ATAC-STARR-seq lymphoblastoid silent region 13813; plus strand). Cytogenetic location: 22q13.2.
Variant type: single nucleotide variant.
Coding change: c.101C>A on transcript NM_052945.4 (MANE Select); coding-DNA position 101, C replaced by A.
Protein change: p.Ala34Asp; replaces alanine 34 with aspartic acid.
Molecular consequence: missense variant.
Genome position (GRCh38, 1-based): chr22:41,926,673, G>T on the plus strand (C>A on the coding strand, the complement: TNFRSF13C is on the minus strand). VCF-style: chr22-41926673-G-T. GRCh37 (hg19) VCF-style: chr22-42322677-G-T.
Other names: short protein forms A34D.
Identifiers: ClinVar variation 1501054 (VCV001501054.6), dbSNP rs777204893, ClinGen allele CA10262523.